The following is an entry in ClinVar:

NM_005912.3(MC4R):c.94G>A (p.Gly32Arg)

Gene: MC4R (melanocortin 4 receptor; minus strand). Cytogenetic location: 18q21.32.
Variant type: single nucleotide variant.
Coding change: c.94G>A on transcript NM_005912.3 (MANE Select); coding-DNA position 94, G replaced by A.
Protein change: p.Gly32Arg; replaces glycine 32 with arginine.
Molecular consequence: missense variant.
Genome position (GRCh38, 1-based): chr18:60,372,256, C>T on the plus strand (G>A on the coding strand, the complement: MC4R is on the minus strand). VCF-style: chr18-60372256-C-T. GRCh37 (hg19) VCF-style: chr18-58039489-C-T.
Other names: short protein forms G32R.
Identifiers: ClinVar variation 3350001 (VCV003350001.1).

ClinVar aggregate classification (germline): Uncertain significance (0 of 4 stars; one submission).

Conditions:
MC4R-related disorder. Also called: MC4R-related condition.

Submission:

PreventionGenetics, part of Exact Sciences
Classification: Uncertain significance for MC4R-related condition. Last evaluated: 2024-03-29. Review status: no assertion criteria provided. Collection method: clinical testing. Allele origin: germline.
Comment: The MC4R c.94G>A variant is predicted to result in the amino acid substitution p.Gly32Arg. To our knowledge, this variant has not been reported in the literature or in a large population database, indicating this variant is rare. An alternate nucleotide change affecting the same amino acid (p.Gly32Glu), has been reported in individuals with obesity; however, functional studies show a minimal or neutral effect on protein function (Ahituv et al. 2007. PubMed ID: 17357083; Calton et al. 2008. PubMed ID: 19091795). At this time, the clinical significance of this variant is uncertain due to the absence of conclusive functional and genetic evidence.